The following is an entry in ClinVar:

NM_172362.3(KCNH1):c.974C>G (p.Pro325Arg)

Gene: KCNH1 (potassium voltage-gated channel subfamily H member 1; minus strand). Cytogenetic location: 1q32.2.
Variant type: single nucleotide variant.
Coding change: c.974C>G on transcript NM_172362.3 (MANE Select); coding-DNA position 974, C replaced by G.
Protein change: p.Pro325Arg; replaces proline 325 with arginine.
Molecular consequence: missense variant. On other transcripts: intron variant (1).
Genome position (GRCh38, 1-based): chr1:211,018,841, G>C on the plus strand (C>G on the coding strand, the complement: KCNH1 is on the minus strand). VCF-style: chr1-211018841-G-C. GRCh37 (hg19) VCF-style: chr1-211192183-G-C.
Other names: c.951+23C>G (NM_002238.4); short protein forms P325R.
Identifiers: ClinVar variation 3633735 (VCV003633735.2).

ClinVar aggregate classification (germline): Uncertain significance (1 of 4 stars; one submission).

Submission:

Labcorp Genetics (formerly Invitae), Labcorp
Classification: Uncertain significance. Last evaluated: 2024-06-01. Review status: criteria provided, single submitter. Criteria: Invitae Variant Classification Sherloc (09022015). Collection method: clinical testing. Allele origin: germline.
Comment: This sequence change replaces proline, which is neutral and non-polar, with arginine, which is basic and polar, at codon 325 of the KCNH1 protein (p.Pro325Arg). This variant is not present in population databases (gnomAD no frequency). This variant has not been reported in the literature in individuals affected with KCNH1-related conditions. This missense change has been observed in at least one individual who was not affected with KCNH1-related conditions (Invitae). Advanced modeling of protein sequence and biophysical properties (such as structural, functional, and spatial information, amino acid conservation, physicochemical variation, residue mobility, and thermodynamic stability) performed at Invitae indicates that this missense variant is expected to disrupt KCNH1 protein function with a positive predictive value of 95%. In summary, the available evidence is currently insufficient to determine the role of this variant in disease. Therefore, it has been classified as a Variant of Uncertain Significance.